The following is an entry in ClinVar:

NM_001302998.2(LIPI):c.1211A>G (p.Tyr404Cys)

Gene: LIPI (lipase I; minus strand). Cytogenetic location: 21q11.2.
Variant type: single nucleotide variant.
Coding change: c.1211A>G on transcript NM_001302998.2 (MANE Select); coding-DNA position 1211, A replaced by G.
Protein change: p.Tyr404Cys; replaces tyrosine 404 with cysteine.
Molecular consequence: missense variant. On other transcripts: intron variant (1).
Genome position (GRCh38, 1-based): chr21:14,144,707, T>C on the plus strand (A>G on the coding strand, the complement: LIPI is on the minus strand). VCF-style: chr21-14144707-T-C. GRCh37 (hg19) VCF-style: chr21-15517028-T-C.
Other names: c.1274A>G (NM_198996.2); c.1121A>G, p.Tyr374Cys (NM_001302999.2); c.1193A>G, p.Tyr398Cys (NM_001303000.2); c.1106A>G, p.Tyr369Cys (NM_001379565.1); c.716A>G, p.Tyr239Cys (NM_001379566.1); c.1076A>G, p.Tyr359Cys (NM_198996.4); c.1006+18712A>G (NM_001303001.2); short protein forms Y239C, Y369C, Y374C, Y398C, Y359C, Y404C.
Identifiers: ClinVar variation 2968391 (VCV002968391.4), dbSNP rs1235635292, ClinGen allele CA409820730.

ClinVar aggregate classification (germline): Uncertain significance. Review status: criteria provided, multiple submitters, no conflicts (2 of 4 stars). 2 submissions from 2 submitters: Uncertain significance (2). Last evaluated 2024-06-19.

Allele frequency attached by ClinVar (database versions not stated): gnomAD exomes below 0.00001.
gnomAD v4.1: 4 of 1,575,980 alleles (0.00025%); highest among the groups gnomAD compares: East Asian, 0.009%; no homozygotes.

Submissions (2):

Ambry Genetics
Classification: Uncertain significance. Last evaluated: 2024-06-19. Review status: criteria provided, single submitter. Criteria: Ambry Variant Classification Scheme 2023. Collection method: clinical testing. Allele origin: germline.

Labcorp Genetics (formerly Invitae), Labcorp
Classification: Uncertain significance. Last evaluated: 2022-11-14. Review status: criteria provided, single submitter. Criteria: Invitae Variant Classification Sherloc (09022015). Collection method: clinical testing. Allele origin: germline.
Comment: This sequence change replaces tyrosine, which is neutral and polar, with cysteine, which is neutral and slightly polar, at codon 425 of the LIPI protein (p.Tyr425Cys). This variant is present in population databases (no rsID available, gnomAD 0.01%). This variant has not been reported in the literature in individuals affected with LIPI-related conditions. Algorithms developed to predict the effect of missense changes on protein structure and function are either unavailable or do not agree on the potential impact of this missense change (SIFT: "Deleterious"; PolyPhen-2: "Probably Damaging"; Align-GVGD: "Class C0"). In summary, the available evidence is currently insufficient to determine the role of this variant in disease. Therefore, it has been classified as a Variant of Uncertain Significance.